The following is an entry in ClinVar:

ClinVar aggregate classification (germline): Uncertain significance (1 of 4 stars; one submission).

Allele frequency attached by ClinVar (database versions not stated): gnomAD exomes below 0.00001; TOPMed 0.00001; gnomAD 0.00002.
gnomAD v4.1: 5 of 1,614,004 alleles (0.00031%); highest among the groups gnomAD compares: African/African-American, 0.004%; no homozygotes.

Submission:

Labcorp Genetics (formerly Invitae), Labcorp
Classification: Uncertain significance. Last evaluated: 2022-07-15. Review status: criteria provided, single submitter. Criteria: Invitae Variant Classification Sherloc (09022015). Collection method: clinical testing. Allele origin: germline.
Comment: This sequence change replaces histidine, which is basic and polar, with arginine, which is basic and polar, at codon 253 of the CPOX protein (p.His253Arg). This variant is present in population databases (no rsID available, gnomAD 0.01%). This variant has not been reported in the literature in individuals affected with CPOX-related conditions. ClinVar contains an entry for this variant (Variation ID: 1402043). Algorithms developed to predict the effect of missense changes on protein structure and function are either unavailable or do not agree on the potential impact of this missense change (SIFT: "Deleterious"; PolyPhen-2: "Probably Damaging"; Align-GVGD: "Class C0"). In summary, the available evidence is currently insufficient to determine the role of this variant in disease. Therefore, it has been classified as a Variant of Uncertain Significance.

NM_000097.7(CPOX):c.758A>G (p.His253Arg)

Gene: CPOX (coproporphyrinogen oxidase; minus strand). Cytogenetic location: 3q11.2.
Variant type: single nucleotide variant.
Coding change: c.758A>G on transcript NM_000097.7 (MANE Select); coding-DNA position 758, A replaced by G.
Protein change: p.His253Arg; replaces histidine 253 with arginine.
Molecular consequence: missense variant.
Genome position (GRCh38, 1-based): chr3:98,590,685, T>C on the plus strand (A>G on the coding strand, the complement: CPOX is on the minus strand). VCF-style: chr3-98590685-T-C. GRCh37 (hg19) VCF-style: chr3-98309529-T-C.
Other names: short protein forms H253R.
Identifiers: ClinVar variation 1402043 (VCV001402043.6), dbSNP rs1378997800, ClinGen allele CA353645749.
Genomic context (GRCh38, chr3:98,590,685, plus strand): 5'-CCCTTACCATCAGCTTCTTCTACTTCAAAGTATCTGTAGTTGAAATGGATAGTAGGAGCA[T>C]GAGGATTCTTGGGGTGGATAACAGAGCTCACGCCCATAGCACAAAATGGCAATTTACCTG-3'
Protein context (NP_000088.3, residues 243-263): VSSVIHPKNP[His253Arg]APTIHFNYRY